The following is an entry in ClinVar:

NM_001111067.4(ACVR1):c.454C>T (p.Arg152Cys)

Gene: ACVR1 (activin A receptor type 1; minus strand). Cytogenetic location: 2q24.1.
Variant type: single nucleotide variant.
Coding change: c.454C>T on transcript NM_001111067.4 (MANE Select); coding-DNA position 454, C replaced by T.
Protein change: p.Arg152Cys; replaces arginine 152 with cysteine.
Molecular consequence: missense variant.
Genome position (GRCh38, 1-based): chr2:157,778,220, G>A on the plus strand (C>T on the coding strand, the complement: ACVR1 is on the minus strand). VCF-style: chr2-157778220-G-A. GRCh37 (hg19) VCF-style: chr2-158634732-G-A.
Other names: c.454C>T, p.Arg152Cys (NM_001105.5, NM_001347663.1, NM_001347664.1 and 3 more transcripts); short protein forms R152C.
Identifiers: ClinVar variation 2920390 (VCV002920390.3), dbSNP rs771363719, ClinGen allele CA1919154.

ClinVar aggregate classification (germline): Uncertain significance (1 of 4 stars; one submission).

Allele frequency attached by ClinVar (database versions not stated): TOPMed 0.00004; ExAC 0.00001; gnomAD 0.00003; gnomAD exomes 0.00001.
gnomAD v4.1: 13 of 1,613,882 alleles (0.00081%); highest among the groups gnomAD compares: African/African-American, 0.0053%; no homozygotes.

Submission:

Labcorp Genetics (formerly Invitae), Labcorp
Classification: Uncertain significance. Last evaluated: 2026-01-12. Review status: criteria provided, single submitter. Criteria: Invitae Variant Classification Sherloc (09022015). Collection method: clinical testing. Allele origin: germline.
Comment: This sequence change replaces arginine, which is basic and polar, with cysteine, which is neutral and slightly polar, at codon 152 of the ACVR1 protein (p.Arg152Cys). This variant is present in population databases (rs771363719, gnomAD 0.003%). This variant has not been reported in the literature in individuals affected with ACVR1-related conditions. ClinVar contains an entry for this variant (Variation ID: 2920390). An algorithm developed to predict the effect of missense changes on protein structure and function (PolyPhen-2) suggests that this variant is likely to be tolerated. In summary, the available evidence is currently insufficient to determine the role of this variant in disease. Therefore, it has been classified as a Variant of Uncertain Significance.